The following is an entry in ClinVar:

ClinVar aggregate classification (germline): Conflicting classifications of pathogenicity. Review status: criteria provided, conflicting classifications (1 of 4 stars). 3 submissions from 3 submitters: Uncertain significance (1); Benign (1). 1 of the submissions does not count toward it. Last evaluated 2025-11-11.

Conditions:
MESP1-related disorder. Also called: MESP1-related condition.

Allele frequency attached by ClinVar (database versions not stated): gnomAD exomes 0.00013; ExAC 0.00049; 1000 Genomes Project 30x 0.00156; 1000 Genomes Project 0.00160; gnomAD 0.00192; TOPMed 0.00222.

Submissions (3):

Ambry Genetics
Classification: Uncertain significance. Last evaluated: 2025-11-11. Review status: criteria provided, single submitter. Criteria: Ambry Variant Classification Scheme 2023. Collection method: clinical testing. Allele origin: germline.

Labcorp Genetics (formerly Invitae), Labcorp
Classification: Benign. Last evaluated: 2025-09-13. Review status: criteria provided, single submitter. Criteria: Invitae Variant Classification Sherloc (09022015). Collection method: clinical testing. Allele origin: germline.

PreventionGenetics, part of Exact Sciences
Classification: Benign for MESP1-related condition. Last evaluated: 2020-01-02. Review status: no assertion criteria provided. Collection method: clinical testing. Allele origin: germline. Not counted in ClinVar's aggregate classification.
Comment: This variant is classified as benign based on ACMG/AMP sequence variant interpretation guidelines (Richards et al. 2015 PMID: 25741868, with internal and published modifications).

NM_018670.4(MESP1):c.241A>G (p.Ser81Gly)

Genes: MESP1 (mesoderm posterior bHLH transcription factor 1; minus strand), LOC130057889 (ATAC-STARR-seq lymphoblastoid silent region 6804; plus strand). Cytogenetic location: 15q26.1.
Variant type: single nucleotide variant.
Coding change: c.241A>G on transcript NM_018670.4 (MANE Select); coding-DNA position 241, A replaced by G.
Protein change: p.Ser81Gly; replaces serine 81 with glycine.
Molecular consequence: missense variant.
Genome position (GRCh38, 1-based): chr15:89,750,991, T>C on the plus strand (A>G on the coding strand, the complement: MESP1 is on the minus strand). VCF-style: chr15-89750991-T-C. GRCh37 (hg19) VCF-style: chr15-90294222-T-C.
Other names: c.241A>G (NM_018670.3); short protein forms S81G.
Identifiers: ClinVar variation 2042881 (VCV002042881.7), dbSNP rs574957190, ClinGen allele CA7730266.